The following is an entry in ClinVar:

NM_000531.6(OTC):c.540+265G>A

Gene: OTC (ornithine transcarbamylase; plus strand). Cytogenetic location: Xp11.4.
Variant type: single nucleotide variant.
Coding change: c.540+265G>A on transcript NM_000531.6 (MANE Select); 265 bases into the intron after coding-DNA position 540, G replaced by A.
Molecular consequence: intron variant.
Genome position (GRCh38, 1-based): chrX:38,401,693, G>A. VCF-style: chrX-38401693-G-A. GRCh37 (hg19) VCF-style: chrX-38260946-G-A.
Identifiers: ClinVar variation 449382 (VCV000449382.28), dbSNP rs1555975756, ClinGen allele CA658658977.
Genomic context (GRCh38, chrX:38,401,693, plus strand): 5'-ATTCCCAAACCCTTTTAGCCCATATCTCATCTTATGTTCTGTCAATCCCTTTGATTTTTC[G>A]GTGCCATATTTAACACAATGAATGAATAGAGAACACTGGAGCATACAAAATGGACAAGCC-3'

ClinVar aggregate classification (germline): Pathogenic. Review status: reviewed by expert panel (3 of 4 stars). 15 submissions from 14 submitters: Pathogenic (1). 14 of the submissions do not count toward it. Last evaluated 2026-05-19.

Conditions:
OTC-related disorder. Also called: OTC-related condition.
Hyperammonemia. Also called: Hyperammonaemia. Identifiers: MedGen C5574662, HP:0001987.
Abnormal circulating ornithine concentration. Also called: Abnormality of ornithine metabolism. Identifiers: MedGen C4023070, HP:0012025.
Protein avoidance. Identifiers: MedGen C1839531, HP:0002038.
Ornithine carbamoyltransferase deficiency (OTCD). Also called: OTC DEFICIENCY; ORNITHINE TRANSCARBAMYLASE DEFICIENCY; ORNITHINE TRANSCARBAMYLASE DEFICIENCY, HYPERAMMONEMIA DUE TO; Ornithine Carbamoyltransferase Deficiency Disease. Identifiers: Orphanet 664, MedGen C0268542, MONDO:0010703, OMIM 311250.

Submissions 1 to 8 of 15:

Clingen Urea Cycle Disorders Variant Curation Expert Panel, ClinGen
Classification: Pathogenic for Ornithine carbamoyltransferase deficiency. Last evaluated: 2026-05-19. Review status: reviewed by expert panel. Criteria: ClinGen UreaCycles ACMG Specifications OTC V1.0. Collection method: curation. Allele origin: germline. Inheritance: X-linked inheritance.
Comment: The NM_000531.6:c.540+265G>A variant in OTC is an intronic variant in intron 5. This variant has been detected in 13 unrelated individuals (12 counted for PS4, as 1 was used for PP4 evidence) with clinical and/or biochemical evidence of OTC deficiency (PMID: 33807868, PMID: 33484963, PMID: 33935161, PMID: 34014569, PMID: 30572553, PMID: 33489762, PMID: 18440262, PMID: 18204299* [counted for PP4]). The prevalence of the variant in affected individuals is significantly increased compared with the prevalence in controls (PMID: 33807868, PMID: 33484963, PMID: 33935161, PMID: 34014569, PMID: 30572553, PMID: 33489762, PMID: 18440262, PMID: 18204299* [counted for PP4]) (PS4_VeryStrong). This variant has been identified as a de novo occurrence with unconfirmed parental relationships in one individual with OTC deficiency (PMID: 33935161) (PM6_Supporting). This variant is absent in gnomAD v4.1.0 (PM2_Supporting). RT-PCR demonstrated that the variant impacts splicing by creating a new splice acceptor site in intron 5, resulting in a 135bp insertion between exons 5 and 6 that includes an in-frame stop codon, predicted to result in premature protein termination at amino acid position 184 (PMID: 18440262, PMID: 18204299) (PVS1_RNA). In summary, this variant meets the criteria to be classified as pathogenic for OTC deficiency based on the ACMG/AMP criteria applied, as specified by the ClinGen Urea Cycle Disorders Variant Curation Expert Panel (Specifications Version 1.0.0): PVS1_RNA, PS4_VeryStrong, PS3, PM2_Supporting, PM6_Supporting, PP4_Moderate.

PreventionGenetics, part of Exact Sciences
Classification: Pathogenic for OTC-related condition. Last evaluated: 2026-04-16. Review status: criteria provided, single submitter. Criteria: ACMG Guidelines, 2015. Collection method: clinical testing. Allele origin: germline. Not counted in ClinVar's aggregate classification.
Comment: The OTC c.540+265G>A variant is predicted to interfere with splicing. This variant has been reported in the hemizygous state in at least three male patients with severe, neonatal-onset ornithine transcarbamylase (OTC) deficiency (Ogino et al. 2007. PubMed ID: 18204299; Engel et al. 2008. PubMed ID: 18440262; Table S2, Gobin-Limballe et al. 2021. PubMed ID: 34014569). This variant has also been reported in the heterozygous state in multiple female individuals with childhood-onset or adult-onset OTC deficiency (Lionel et al. 2018. PubMed ID: 28771251; Kumar et al. 2021. PubMed ID: 33489762; Table S2, Gobin-Limballe et al. 2021. PubMed ID: 34014569), including one individual where it reportedly arose de novo (Lu et al. 2020. PubMed ID: 33272297). RT-PCR studies have shown that this variant leads to altered splicing and the insertion of 135 intronic base pairs between exon 5 and 6, including a premature stop codon expected to trigger nonsense-mediated decay (Ogino et al. 2007. PubMed ID: 18204299). This variant has not been reported in a large population database (gnomAD), indicating this variant is rare. This variant is interpreted as pathogenic.

Dasa
Classification: Pathogenic. Last evaluated: 2026-02-10. Review status: criteria provided, single submitter. Criteria: DASA Assertion Criteria. Collection method: clinical testing. Allele origin: germline. Not counted in ClinVar's aggregate classification.
Comment: NM_000531.6(OTC):c.540+265G>A introduces a premature termination codon predicted to result in loss of normal protein function. Loss-of-function is an established mechanism of disease for this gene. Functional evidence supports a deleterious effect on the gene or gene product (PMID: 40102887; PMID: 34014569; PMID: 33489762; PMID: 18440262). This variant has been recurrently observed in individuals with related phenotype (PMID: 40102887; PMID: 34014569; PMID: 33489762; PMID: 18440262). The variant is present at low frequency in population datasets. Based on the available data, this variant is classified as pathogenic.

Genomic Medicine Center of Excellence, King Faisal Specialist Hospital and Research Centre
Classification: Pathogenic for Ornithine carbamoyltransferase deficiency. Last evaluated: 2024-10-07. Review status: criteria provided, single submitter. Criteria: ACMG Guidelines, 2015. Collection method: clinical testing. Allele origin: germline. Not counted in ClinVar's aggregate classification.

Revvity Omics, Revvity
Classification: Pathogenic for Ornithine carbamoyltransferase deficiency. Last evaluated: 2024-06-07. Review status: criteria provided, single submitter. Criteria: ACMG Guidelines, 2015. Collection method: clinical testing. Allele origin: germline. Not counted in ClinVar's aggregate classification.

Labcorp Genetics (formerly Invitae), Labcorp
Classification: Pathogenic for Ornithine carbamoyltransferase deficiency. Last evaluated: 2024-05-22. Review status: criteria provided, single submitter. Criteria: Invitae Variant Classification Sherloc (09022015). Collection method: clinical testing. Allele origin: germline. Not counted in ClinVar's aggregate classification.
Comment: This sequence change falls in intron 5 of the OTC gene. It does not directly change the encoded amino acid sequence of the OTC protein. The frequency data for this variant in the population databases is considered unreliable, as metrics indicate insufficient coverage at this position in the gnomAD database. This variant has been observed in individual(s) with ornithine transcarbamylase (OTC) deficiency (PMID: 18204299, 18440262, 33489762). ClinVar contains an entry for this variant (Variation ID: 449382). Algorithms developed to predict the effect of sequence changes on RNA splicing suggest that this variant may create or strengthen a splice site. For these reasons, this variant has been classified as Pathogenic.

Rady Children's Institute for Genomic Medicine, Rady Children's Hospital San Diego
Classification: Pathogenic for Ornithine transcarbamylase deficiency. Last evaluated: 2024-03-11. Review status: criteria provided, single submitter. Criteria: ACMG Guidelines, 2015. Collection method: clinical testing. Allele origin: germline. Affected: yes. Not counted in ClinVar's aggregate classification.
Comment: This variant is also referred to as IVS5+265G>A in the literature. This intronic variant is located 265 nucleotides downstream of the exon 5 intron 5 boundary. Multiple splice prediction tools suggest this variant is not likely to interfere with normal splicing. However, OTC mRNA in the liver of an affected individual showed a 135-nt insertion between exons 5 and 6, creating a novel splice acceptor site. This novel splice acceptor site produced a novel exon structure, from the intron sequence together with downstream cryptic splicing donor sites, which was subsequently incorporated into OTC mRNA (PMID: 18204299). This variant has been previously reported as a de novo change in male and female individuals with ornithine transcarbamylase deficiency (PMID: 18204299, 33272297, 34014569, 33489762). Functional studies demonstrated that the c.540+265G>A variant results in decreased enzyme levels (PMID: 34014569). The c.540+265G>A variant is absent from the gnomAD population database and thus is presumed to be rare. Based on the available evidence, c.540+265G>A is classified as Pathogenic.

All of Us Research Program, National Institutes of Health
Classification: Pathogenic for Ornithine carbamoyltransferase deficiency. Last evaluated: 2023-07-19. Review status: criteria provided, single submitter. Criteria: ACMG Guidelines, 2015. Collection method: clinical testing. Allele origin: germline. Inheritance: X-linked inheritance. Observed: 1 variant allele, 1 heterozygote. Not counted in ClinVar's aggregate classification.
Comment: This variant causes a G to A nucleotide substitution at the +265 position of intron 5 of the OTC gene. This variant has been reported in three male neonates clinically diagnosed with OTC deficiency (PMID: 18204299, 18440262, 34014569), as well as in seven females affected with late-onset OTC deficiency (PMID: 33489762) and episodic OTC deficiency (PMID: 34014569). This variant has not been identified in the general population by the Genome Aggregation Database (gnomAD). RT-PCR analyses of patient-derived RNA have shown that a new splice acceptor site created by this variant is paired with a cryptic splice donor site located 135 nucleotides downstream, resulting in the inclusion of the 135-nucleotide intronic sequence between exons 5 and 6 of the OTC transcript with a premature stop of translation at codon 184 (PMID: 18204299, 18440262). This variant is expected to result in an absent or nonfunctional protein product. Loss of OTC function is a known mechanism of disease. Based on the available evidence, this variant is classified as Pathogenic.

This study involves interpretation of variants in research participants for the purpose of population health screening. Participant phenotype was not available at the time of variant classification. Additional details can be found in publication PMID: 35346344, PMCID: PMC8962531